The following is an entry in ClinVar:

ClinVar aggregate classification (germline): Uncertain significance. Review status: criteria provided, multiple submitters, no conflicts (2 of 4 stars). 2 submissions from 2 submitters: Uncertain significance (2). Last evaluated 2025-09-05.

Conditions:
Cardiovascular phenotype. Identifiers: MedGen CN230736.
Long QT syndrome (LQTS). Identifiers: MedGen C0023976, MeSH D008133, MONDO:0002442. Disease mechanism: loss of function. Inheritance: Various modes of inheritance.

Allele frequency attached by ClinVar (database versions not stated): gnomAD exomes below 0.00001 and 0.00001; TOPMed below 0.00001; gnomAD 0.00001.
gnomAD v4.1: 13 of 1,613,744 alleles (0.00081%); highest among the groups gnomAD compares: Middle Eastern, 0.016%; no homozygotes.

Submissions (2):

Labcorp Genetics (formerly Invitae), Labcorp
Classification: Uncertain significance for Long QT syndrome. Last evaluated: 2025-09-05. Review status: criteria provided, single submitter. Criteria: Invitae Variant Classification Sherloc (09022015). Collection method: clinical testing. Allele origin: germline.
Comment: This sequence change replaces valine, which is neutral and non-polar, with alanine, which is neutral and non-polar, at codon 2179 of the AKAP9 protein (p.Val2179Ala). This variant is present in population databases (no rsID available, gnomAD 0.0009%). This variant has not been reported in the literature in individuals affected with AKAP9-related conditions. ClinVar contains an entry for this variant (Variation ID: 412029). An algorithm developed to predict the effect of missense changes on protein structure and function (PolyPhen-2) suggests that this variant is likely to be tolerated. In summary, the available evidence is currently insufficient to determine the role of this variant in disease. Therefore, it has been classified as a Variant of Uncertain Significance.

Ambry Genetics
Classification: Uncertain significance for Cardiovascular phenotype. Last evaluated: 2022-12-09. Review status: criteria provided, single submitter. Criteria: Ambry Variant Classification Scheme 2023. Collection method: clinical testing. Allele origin: germline.
Comment: The p.V2179A variant (also known as c.6536T>C), located in coding exon 28 of the AKAP9 gene, results from a T to C substitution at nucleotide position 6536. The valine at codon 2179 is replaced by alanine, an amino acid with similar properties. This amino acid position is conserved. In addition, this alteration is predicted to be tolerated by in silico analysis. Since supporting evidence is limited at this time, the clinical significance of this alteration remains unclear.

NM_005751.5(AKAP9):c.6536T>C (p.Val2179Ala)

Gene: AKAP9 (A-kinase anchoring protein 9; plus strand). Cytogenetic location: 7q21.2.
Variant type: single nucleotide variant.
Coding change: c.6536T>C on transcript NM_005751.5 (MANE Select); coding-DNA position 6536, T replaced by C.
Protein change: p.Val2179Ala; replaces valine 2179 with alanine.
Molecular consequence: missense variant.
Genome position (GRCh38, 1-based): chr7:92,070,933, T>C. VCF-style: chr7-92070933-T-C. GRCh37 (hg19) VCF-style: chr7-91700247-T-C.
Other names: c.1181T>C, p.Val394Ala (NM_001379277.1); c.6512T>C, p.Val2171Ala (NM_147185.3); short protein forms V2179A, V2171A, V394A.
Identifiers: ClinVar variation 412029 (VCV000412029.10), dbSNP rs1060503580, ClinGen allele CA16612321.